The following is an entry in ClinVar:

ClinVar aggregate classification (germline): Likely benign (1 of 4 stars; one submission).

Allele frequency attached by ClinVar (database versions not stated): ExAC 0.00012; ESP Exome Variant Server 0.00008; gnomAD 0.00006; TOPMed 0.00008.
gnomAD v4.1: 119 of 1,614,010 alleles (0.0074%); highest among the groups gnomAD compares: East Asian, 0.16%; no homozygotes.

Submission:

CeGaT Center for Human Genetics Tuebingen
Classification: Likely benign. Last evaluated: 2023-02-01. Review status: criteria provided, single submitter. Criteria: CeGaT Center For Human Genetics Tuebingen Variant Classification Criteria Version 2. Collection method: clinical testing. Allele origin: germline. Affected: yes. Observed: 1 variant allele.
Comment: MASP1: BP4, BP7

NM_001879.6(MASP1):c.1602C>T (p.Gly534=)

Gene: MASP1 (MBL associated serine protease 1; minus strand). Cytogenetic location: 3q27.3.
Variant type: single nucleotide variant.
Coding change: c.1602C>T on transcript NM_001879.6 (MANE Plus Clinical); coding-DNA position 1602, C replaced by T.
Protein change: p.Gly534=; no amino-acid change (glycine 534 retained).
Molecular consequence: synonymous variant.
Genome position (GRCh38, 1-based): chr3:187,225,463, G>A on the plus strand (C>T on the coding strand, the complement: MASP1 is on the minus strand). VCF-style: chr3-187225463-G-A. GRCh37 (hg19) VCF-style: chr3-186943251-G-A.
Identifiers: ClinVar variation 2654346 (VCV002654346.22), dbSNP rs374977699, ClinGen allele CA2748846.
Genomic context (GRCh38, chr3:187,225,463, plus strand): 5'-AGCCACGTCATTCTCGAATGTGTTGGGATCATACTGGGGGTGGAGAGTGGTGTGTTTGAC[G>A]CCGAGATGCTGTTCATTTTCATCTGACCGGAGCCTCCAATGCTTGCCTGGGCAAGAAGAA-3'
Protein context (NP_001870.3, residues 524-544): LRSDENEQHL[Gly534=]VKHTTLHPQY